The following is an entry in ClinVar:

ClinVar aggregate classification (germline): Uncertain significance (1 of 4 stars; one submission).

Submission:

Labcorp Genetics (formerly Invitae), Labcorp
Classification: Uncertain significance. Last evaluated: 2022-08-10. Review status: criteria provided, single submitter. Criteria: Invitae Variant Classification Sherloc (09022015). Collection method: clinical testing. Allele origin: germline.
Comment: This sequence change replaces alanine, which is neutral and non-polar, with serine, which is neutral and polar, at codon 1728 of the SBF1 protein (p.Ala1728Ser). This variant is not present in population databases (gnomAD no frequency). This variant has not been reported in the literature in individuals affected with SBF1-related conditions. ClinVar contains an entry for this variant (Variation ID: 1349239). Algorithms developed to predict the effect of missense changes on protein structure and function (SIFT, PolyPhen-2, Align-GVGD) all suggest that this variant is likely to be tolerated. Algorithms developed to predict the effect of sequence changes on RNA splicing suggest that this variant may create or strengthen a splice site. In summary, the available evidence is currently insufficient to determine the role of this variant in disease. Therefore, it has been classified as a Variant of Uncertain Significance.

NM_002972.4(SBF1):c.5182G>T (p.Ala1728Ser)

Gene: SBF1 (SET binding factor 1; minus strand). Cytogenetic location: 22q13.33.
Variant type: single nucleotide variant.
Coding change: c.5182G>T on transcript NM_002972.4 (MANE Select); coding-DNA position 5182, G replaced by T.
Protein change: p.Ala1728Ser; replaces alanine 1728 with serine.
Molecular consequence: missense variant.
Genome position (GRCh38, 1-based): chr22:50,448,414, C>A on the plus strand (G>T on the coding strand, the complement: SBF1 is on the minus strand). VCF-style: chr22-50448414-C-A. GRCh37 (hg19) VCF-style: chr22-50886843-C-A.
Other names: c.5107G>T, p.Ala1703Ser (NM_001365819.1); short protein forms A1703S, A1728S.
Identifiers: ClinVar variation 1349239 (VCV001349239.6), dbSNP rs747746536, ClinGen allele CA325524760.